The following is an entry in ClinVar:

ClinVar aggregate classification (germline): Conflicting classifications of pathogenicity. Review status: criteria provided, conflicting classifications (1 of 4 stars). 5 submissions from 5 submitters: Uncertain significance (1); Likely benign (3). 1 of the submissions does not count toward it. Last evaluated 2025-11-09.

Conditions:
RYR2-related disorder. Also called: RYR2-related condition.
Cardiomyopathy (CMYO). Also called: Cardiomyopathies. Identifiers: Orphanet 167848, MedGen C0878544, MONDO:0004994, HP:0001638. Inheritance: Various modes of inheritance.
Catecholaminergic polymorphic ventricular tachycardia 1. Also called: VENTRICULAR TACHYCARDIA, CATECHOLAMINERGIC POLYMORPHIC, 1, WITH OR WITHOUT ATRIAL DYSFUNCTION AND/OR DILATED CARDIOMYOPATHY; RYR2-Related Catecholaminergic Polymorphic Ventricular Tachycardia; VENTRICULAR TACHYCARDIA, STRESS-INDUCED POLYMORPHIC 1. Identifiers: Orphanet 3286, MedGen C1631597, MONDO:0011484, OMIM 604772.

Submissions (5):

Labcorp Genetics (formerly Invitae), Labcorp
Classification: Likely benign for Catecholaminergic polymorphic ventricular tachycardia 1. Last evaluated: 2025-11-09. Review status: criteria provided, single submitter. Criteria: Invitae Variant Classification Sherloc (09022015). Collection method: clinical testing. Allele origin: germline.

Color Diagnostics, LLC DBA Color Health
Classification: Likely benign for Cardiomyopathy. Last evaluated: 2025-02-18. Review status: criteria provided, single submitter. Criteria: ACMG Guidelines, 2015. Collection method: clinical testing. Allele origin: germline.

Blueprint Genetics
Classification: Likely benign. Last evaluated: 2022-07-22. Review status: criteria provided, single submitter. Criteria: ACMG Guidelines, 2015. Collection method: clinical testing. Allele origin: germline.

Laboratory for Molecular Medicine, Mass General Brigham Personalized Medicine
Classification: Uncertain significance. Last evaluated: 2019-09-27. Review status: criteria provided, single submitter. Criteria: LMM Criteria. Collection method: clinical testing. Allele origin: germline. Observed: 1 variant allele.
Comment: proposed classification - variant undergoing re-assessment, contact laboratory

PreventionGenetics, part of Exact Sciences
Classification: Likely benign for RYR2-related condition. Last evaluated: 2019-10-05. Review status: no assertion criteria provided. Collection method: clinical testing. Allele origin: germline. Not counted in ClinVar's aggregate classification.
Comment: This variant is classified as likely benign based on ACMG/AMP sequence variant interpretation guidelines (Richards et al. 2015 PMID: 25741868, with internal and published modifications).

NM_001035.3(RYR2):c.14591-9del

Gene: RYR2 (ryanodine receptor 2; plus strand). Cytogenetic location: 1q43.
Variant type: Deletion.
Coding change: c.14591-9del on transcript NM_001035.3 (MANE Select); 9 bases into the intron before coding-DNA position 14591, one base deleted (T; older notation c.14591-9delT).
Molecular consequence: intron variant.
Genome position (GRCh38, 1-based): chr1:237,828,372, T deleted; the last of 3 consecutive T bases (chr1:237,828,370-237,828,372); deleting any one gives the same sequence. VCF-style (leftmost placement, unchanged base first): chr1-237828369-AT-A. GRCh37 (hg19) VCF-style: chr1-237991669-AT-A.
Other names: c.14591-9del (LRG_402t1).
Identifiers: ClinVar variation 229214 (VCV000229214.22), dbSNP rs876657987, ClinGen allele CA10576415.